The following is an entry in ClinVar:

NM_004336.5(BUB1):c.1084G>C (p.Val362Leu)

Gene: BUB1 (BUB1 mitotic checkpoint serine/threonine kinase; minus strand). Cytogenetic location: 2q13.
Variant type: single nucleotide variant.
Coding change: c.1084G>C on transcript NM_004336.5 (MANE Select); coding-DNA position 1084, G replaced by C.
Protein change: p.Val362Leu; replaces valine 362 with leucine.
Molecular consequence: missense variant.
Genome position (GRCh38, 1-based): chr2:110,661,715, C>G on the plus strand (G>C on the coding strand, the complement: BUB1 is on the minus strand). VCF-style: chr2-110661715-C-G. GRCh37 (hg19) VCF-style: chr2-111419292-C-G.
Other names: c.1024G>C, p.Val342Leu (NM_001278616.2); c.1084G>C, p.Val362Leu (NM_001278617.2); short protein forms V342L, V362L.
Identifiers: ClinVar variation 3483096 (VCV003483096.1).
Genomic context (GRCh38, chr2:110,661,715, plus strand): 5'-TGCTCTGGCTGGTGGCTGGGGACACCAAAGCTGCAGAAATAGCATTTGCCAAAGGAGGAA[C>G]AACAGGAGGTGCCTCTCTTGGGTTCTTTTCCATGTTCACTGGTGTCTGCTGATAGGTTAC-3'
Protein context (NP_004327.1, residues 352-372): EKNPREAPPV[Val362Leu]PPLANAISAA

ClinVar aggregate classification (germline): Uncertain significance (1 of 4 stars; one submission).

Submission:

Ambry Genetics
Classification: Uncertain significance. Last evaluated: 2024-11-01. Review status: criteria provided, single submitter. Criteria: Ambry Variant Classification Scheme 2023. Collection method: clinical testing. Allele origin: germline.
Comment: The p.V362L variant (also known as c.1084G>C), located in coding exon 10 of the BUB1 gene, results from a G to C substitution at nucleotide position 1084. The valine at codon 362 is replaced by leucine, an amino acid with highly similar properties. This amino acid position is conserved. In addition, this alteration is predicted to be tolerated by in silico analysis. Based on the available evidence, the clinical significance of this variant remains unclear.